The following is an entry in ClinVar:

NM_004380.3(CREBBP):c.910G>A (p.Val304Ile)

Gene: CREBBP (CREB binding lysine acetyltransferase; minus strand). Cytogenetic location: 16p13.3.
Variant type: single nucleotide variant.
Coding change: c.910G>A on transcript NM_004380.3 (MANE Select); coding-DNA position 910, G replaced by A.
Protein change: p.Val304Ile; replaces valine 304 with isoleucine.
Molecular consequence: missense variant.
Genome position (GRCh38, 1-based): chr16:3,810,668, C>T on the plus strand (G>A on the coding strand, the complement: CREBBP is on the minus strand). VCF-style: chr16-3810668-C-T. GRCh37 (hg19) VCF-style: chr16-3860669-C-T.
Other names: c.910G>A, p.Val304Ile (NM_001079846.1); short protein forms V304I.
Identifiers: ClinVar variation 3030990 (VCV003030990.3), dbSNP rs766101764, ClinGen allele CA7870565.

ClinVar aggregate classification (germline): Uncertain significance (1 of 4 stars; one submission).

Conditions:
CREBBP-related disorder. Also called: CREBBP-related condition; CREBBP-related disorders.

Allele frequency attached by ClinVar (database versions not stated): ExAC 0.00001; gnomAD exomes 0.00001; TOPMed 0.00002.
gnomAD v4.1: 3 of 1,613,796 alleles (0.00019%); highest among the groups gnomAD compares: Admixed American, 0.005%; no homozygotes.

Submission:

PreventionGenetics, part of Exact Sciences
Classification: Uncertain significance for CREBBP-related condition. Last evaluated: 2024-12-16. Review status: criteria provided, single submitter. Criteria: ACMG Guidelines, 2015. Collection method: clinical testing. Allele origin: germline.
Comment: The CREBBP c.910G>A variant is predicted to result in the amino acid substitution p.Val304Ile. To our knowledge, this variant has not been reported in the literature. This variant is reported in 0.0087% of alleles in individuals of Latino descent in gnomAD. At this time, the clinical significance of this variant is uncertain due to the absence of conclusive functional and genetic evidence.